The following is an entry in ClinVar:

ClinVar aggregate classification (germline): Uncertain significance (1 of 4 stars; one submission).

Conditions:
Aortic aneurysm, familial thoracic 4 (AAT4). Also called: AORTIC ANEURYSM/AORTIC DISSECTION AND PATENT DUCTUS ARTERIOSUS. Identifiers: MedGen C1851504, MONDO:0007568, OMIM 132900.

Allele frequency attached by ClinVar (database versions not stated): gnomAD exomes below 0.00001; TOPMed below 0.00001; gnomAD 0.00001.
gnomAD v4.1: 3 of 1,614,120 alleles (0.00019%); highest among the groups gnomAD compares: Non-Finnish European, 0.00025%; no homozygotes.

Submission:

Labcorp Genetics (formerly Invitae), Labcorp
Classification: Uncertain significance for Aortic aneurysm, familial thoracic 4. Last evaluated: 2023-03-26. Review status: criteria provided, single submitter. Criteria: Invitae Variant Classification Sherloc (09022015). Collection method: clinical testing. Allele origin: germline.
Comment: This variant has not been reported in the literature in individuals affected with MYH11-related conditions. This sequence change replaces isoleucine, which is neutral and non-polar, with valine, which is neutral and non-polar, at codon 157 of the MYH11 protein (p.Ile157Val). This variant is not present in population databases (gnomAD no frequency). Advanced modeling of protein sequence and biophysical properties (such as structural, functional, and spatial information, amino acid conservation, physicochemical variation, residue mobility, and thermodynamic stability) performed at Invitae indicates that this missense variant is not expected to disrupt MYH11 protein function. In summary, the available evidence is currently insufficient to determine the role of this variant in disease. Therefore, it has been classified as a Variant of Uncertain Significance.

NM_002474.3(MYH11):c.469A>G (p.Ile157Val)

Gene: MYH11 (myosin heavy chain 11; minus strand). Cytogenetic location: 16p13.11.
Variant type: single nucleotide variant.
Coding change: c.469A>G on transcript NM_002474.3 (MANE Select); coding-DNA position 469, A replaced by G.
Protein change: p.Ile157Val; replaces isoleucine 157 with valine.
Molecular consequence: missense variant.
Genome position (GRCh38, 1-based): chr16:15,823,288, T>C on the plus strand (A>G on the coding strand, the complement: MYH11 is on the minus strand). VCF-style: chr16-15823288-T-C. GRCh37 (hg19) VCF-style: chr16-15917145-T-C.
Other names: c.469A>G, p.Ile157Val (NM_001040113.2, NM_001040114.2, NM_022844.3); short protein forms I157V.
Identifiers: ClinVar variation 3013283 (VCV003013283.2), dbSNP rs2043465085, ClinGen allele CA394882324.